The following is an entry in ClinVar:

NM_003036.4(SKI):c.1109T>C (p.Val370Ala)

Gene: SKI (SKI proto-oncogene; plus strand). Cytogenetic location: 1p36.32.
Variant type: single nucleotide variant.
Coding change: c.1109T>C on transcript NM_003036.4 (MANE Select); coding-DNA position 1109, T replaced by C.
Protein change: p.Val370Ala; replaces valine 370 with alanine.
Molecular consequence: missense variant.
Genome position (GRCh38, 1-based): chr1:2,303,298, T>C. VCF-style: chr1-2303298-T-C. GRCh37 (hg19) VCF-style: chr1-2234737-T-C.
Other names: short protein forms V370A.
Identifiers: ClinVar variation 449711 (VCV000449711.31), dbSNP rs138088528, ClinGen allele CA536588.

ClinVar aggregate classification (germline): Conflicting classifications of pathogenicity. Review status: criteria provided, conflicting classifications (1 of 4 stars). 8 submissions from 8 submitters: Uncertain significance (4); Benign (1); Likely benign (1). 2 of the submissions do not count toward it. Last evaluated 2025-10-20.

Conditions:
Shprintzen-Goldberg syndrome (SGS). Also called: Marfanoid disorder with craniosynostosis type 1; Marfanoid craniosynostosis syndrome; Shprintzen-Goldberg marfanoid syndrome; SHPRINTZEN-GOLDBERG CRANIOSYNOSTOSIS SYNDROME; CRANIOSYNOSTOSIS WITH ARACHNODACTYLY AND ABDOMINAL HERNIAS. Identifiers: Orphanet 2462, MedGen C1321551, MONDO:0008426, OMIM 182212.
Familial thoracic aortic aneurysm and aortic dissection (TAAD). Also called: Thoracic aortic aneurysms and dissections. Identifiers: Orphanet 91387, MedGen C4707243, MONDO:0019625.

Allele frequency attached by ClinVar (database versions not stated): ExAC 0.00003; gnomAD exomes 0.00003 and 0.00004; TOPMed 0.00003; gnomAD 0.00007 and 0.00008; ESP Exome Variant Server 0.00008.
gnomAD v4.1: 59 of 1,613,542 alleles (0.0037%); highest among the groups gnomAD compares: Non-Finnish European, 0.0048%; no homozygotes.

Submissions (8):

Labcorp Genetics (formerly Invitae), Labcorp
Classification: Likely benign for Shprintzen-Goldberg syndrome. Last evaluated: 2025-10-20. Review status: criteria provided, single submitter. Criteria: Invitae Variant Classification Sherloc (09022015). Collection method: clinical testing. Allele origin: germline.

Ambry Genetics
Classification: Benign for Familial thoracic aortic aneurysm and aortic dissection. Last evaluated: 2025-06-18. Review status: criteria provided, single submitter. Criteria: Ambry Variant Classification Scheme 2023. Collection method: clinical testing. Allele origin: germline.

GeneDx
Classification: Uncertain significance. Last evaluated: 2025-01-29. Review status: criteria provided, single submitter. Criteria: GeneDx Variant Classification Process June 2021. Collection method: clinical testing. Allele origin: germline. Affected: yes.
Comment: Has not been previously published as pathogenic or benign to our knowledge; In silico analysis indicates that this missense variant does not alter protein structure/function

CeGaT Center for Human Genetics Tuebingen
Classification: Uncertain significance. Last evaluated: 2024-08-01. Review status: criteria provided, single submitter. Criteria: CeGaT Center For Human Genetics Tuebingen Variant Classification Criteria Version 2. Collection method: clinical testing. Allele origin: germline. Affected: yes. Observed: 1 variant allele.

ARUP Laboratories, Molecular Genetics and Genomics, ARUP Laboratories
Classification: Uncertain significance for Shprintzen-Goldberg syndrome. Last evaluated: 2023-04-17. Review status: criteria provided, single submitter. Criteria: ARUP Molecular Germline Variant Investigation Process 2024. Collection method: clinical testing. Allele origin: germline.
Comment: The SKI c.1109T>C; p.Val370Ala variant (rs138088528), to our knowledge, is not reported in the medical literature but is reported in ClinVar (Variation ID: 449711). This variant is found in the non-Finnish European population with an allele frequency of 0.0093% (12/129,096 alleles) in the Genome Aggregation Database. Computational analyses are uncertain whether this variant is neutral or deleterious (REVEL: 0.172). Due to limited information, the clinical significance of this variant is uncertain at this time.

Fulgent Genetics
Classification: Uncertain significance for Shprintzen-Goldberg syndrome. Last evaluated: 2021-09-15. Review status: criteria provided, single submitter. Criteria: ACMG Guidelines, 2015. Collection method: clinical testing. Allele origin: unknown.

Clinical Genetics DNA and cytogenetics Diagnostics Lab, Erasmus MC, Erasmus Medical Center
Classification: Likely benign. Review status: no assertion criteria provided. Collection method: clinical testing. Allele origin: germline. Affected: yes. Study: VKGL Data-share Consensus. Not counted in ClinVar's aggregate classification.

Joint Genome Diagnostic Labs from Nijmegen and Maastricht, Radboudumc and MUMC+
Classification: Likely benign. Review status: no assertion criteria provided. Collection method: clinical testing. Allele origin: germline. Affected: yes. Study: VKGL Data-share Consensus. Not counted in ClinVar's aggregate classification.